The following is an entry in ClinVar:

NM_024642.5(GALNT12):c.1412G>A (p.Gly471Glu)

Gene: GALNT12 (polypeptide N-acetylgalactosaminyltransferase 12; plus strand). Cytogenetic location: 9q22.33.
Variant type: single nucleotide variant.
Coding change: c.1412G>A on transcript NM_024642.5 (MANE Select); coding-DNA position 1412, G replaced by A.
Protein change: p.Gly471Glu; replaces glycine 471 with glutamic acid.
Molecular consequence: missense variant.
Genome position (GRCh38, 1-based): chr9:98,844,163, G>A. VCF-style: chr9-98844163-G-A. GRCh37 (hg19) VCF-style: chr9-101606445-G-A.
Other names: short protein forms G471E.
Identifiers: ClinVar variation 3852682 (VCV003852682.1).

ClinVar aggregate classification (germline): Uncertain significance (1 of 4 stars; one submission).

Submission:

Ambry Genetics
Classification: Uncertain significance. Last evaluated: 2025-03-08. Review status: criteria provided, single submitter. Criteria: Ambry Variant Classification Scheme 2023. Collection method: clinical testing. Allele origin: germline.
Comment: The p.G471E variant (also known as c.1412G>A), located in coding exon 8 of the GALNT12 gene, results from a G to A substitution at nucleotide position 1412. The glycine at codon 471 is replaced by glutamic acid, an amino acid with similar properties. This amino acid position is conserved. In addition, this alteration is predicted to be deleterious by in silico analysis. Based on the available evidence, the clinical significance of this variant remains unclear.